The following is an entry in ClinVar:

NM_021072.4(HCN1):c.1864C>T (p.Leu622Phe)

Gene: HCN1 (hyperpolarization activated cyclic nucleotide gated potassium channel 1; minus strand). Cytogenetic location: 5p12.
Variant type: single nucleotide variant.
Coding change: c.1864C>T on transcript NM_021072.4 (MANE Select); coding-DNA position 1864, C replaced by T.
Protein change: p.Leu622Phe; replaces leucine 622 with phenylalanine.
Molecular consequence: missense variant.
Genome position (GRCh38, 1-based): chr5:45,262,730, G>A on the plus strand (C>T on the coding strand, the complement: HCN1 is on the minus strand). VCF-style: chr5-45262730-G-A. GRCh37 (hg19) VCF-style: chr5-45262832-G-A.
Other names: short protein forms L622F.
Identifiers: ClinVar variation 2861939 (VCV002861939.3), dbSNP rs748765112, ClinGen allele CA3259207.
Genomic context (GRCh38, chr5:45,262,730, plus strand): 5'-GATAATTGATGGGAGCGATTGCCTGCACCATCTCCCTGTCATGTTTCACAATCTGCTTGA[G>A]GATTTCGTTCTCCTGATTGTTGAAAACACCAGTGTTCAGATCCTTCTGGAACTTTTGCAG-3'
Protein context (NP_066550.2, residues 612-632): GVFNNQENEI[Leu622Phe]KQIVKHDREM

ClinVar aggregate classification (germline): Uncertain significance (1 of 4 stars; one submission).

Conditions:
Early-infantile DEE. Also called: Ohtahara syndrome; Early infantile epileptic encephalopathy with suppression bursts; Early infantile epileptic encephalopathy. Identifiers: Orphanet 1934, MedGen C0393706, MONDO:0800491.

Allele frequency attached by ClinVar (database versions not stated): gnomAD exomes below 0.00001; ExAC 0.00001.
gnomAD v4.1: 1 of 1,614,106 alleles (0.000062%); highest among the groups gnomAD compares: East Asian, 0.0022%; no homozygotes.

Submission:

Labcorp Genetics (formerly Invitae), Labcorp
Classification: Uncertain significance for Early-infantile DEE. Last evaluated: 2023-06-24. Review status: criteria provided, single submitter. Criteria: Invitae Variant Classification Sherloc (09022015). Collection method: clinical testing. Allele origin: germline.
Comment: In summary, the available evidence is currently insufficient to determine the role of this variant in disease. Therefore, it has been classified as a Variant of Uncertain Significance. Advanced modeling of protein sequence and biophysical properties (such as structural, functional, and spatial information, amino acid conservation, physicochemical variation, residue mobility, and thermodynamic stability) performed at Invitae indicates that this missense variant is not expected to disrupt HCN1 protein function. This variant has not been reported in the literature in individuals affected with HCN1-related conditions. This variant is present in population databases (rs748765112, gnomAD 0.005%). This sequence change replaces leucine, which is neutral and non-polar, with phenylalanine, which is neutral and non-polar, at codon 622 of the HCN1 protein (p.Leu622Phe).